The following is an entry in ClinVar:

ClinVar aggregate classification (germline): Uncertain significance. Review status: criteria provided, multiple submitters, no conflicts (2 of 4 stars). 2 submissions from 2 submitters: Uncertain significance (2). Last evaluated 2026-03-20.

Conditions:
Intellectual developmental disorder, X-linked, syndromic, Raymond type. Also called: Syndromic X-linked intellectual disability Raymond type. Identifiers: MedGen C3275406, MONDO:0010427, OMIM 300799.

Allele frequency attached by ClinVar (database versions not stated): gnomAD exomes below 0.00001.
gnomAD v4.1: 1 of 1,211,819 alleles (0.000083%); highest among the groups gnomAD compares: Admixed American, 0.0022%; no homozygotes.

Submissions (2):

GeneDx
Classification: Uncertain significance. Last evaluated: 2026-03-20. Review status: criteria provided, single submitter. Criteria: GeneDx Variant Classification Process June 2021. Collection method: clinical testing. Allele origin: germline.
Comment: Not observed at significant frequency in large population cohorts (gnomAD); In silico analysis suggests that this missense variant does not alter protein structure/function; Has not been previously published as pathogenic or benign to our knowledge

Labcorp Genetics (formerly Invitae), Labcorp
Classification: Uncertain significance for Intellectual developmental disorder, X-linked, syndromic, Raymond type. Last evaluated: 2024-03-26. Review status: criteria provided, single submitter. Criteria: Invitae Variant Classification Sherloc (09022015). Collection method: clinical testing. Allele origin: germline.
Comment: This sequence change replaces serine, which is neutral and polar, with threonine, which is neutral and polar, at codon 89 of the ZDHHC9 protein (p.Ser89Thr). This variant is not present in population databases (gnomAD no frequency). This variant has not been reported in the literature in individuals affected with ZDHHC9-related conditions. ClinVar contains an entry for this variant (Variation ID: 2125510). Advanced modeling of protein sequence and biophysical properties (such as structural, functional, and spatial information, amino acid conservation, physicochemical variation, residue mobility, and thermodynamic stability) performed at Invitae indicates that this missense variant is not expected to disrupt ZDHHC9 protein function with a negative predictive value of 80%. In summary, the available evidence is currently insufficient to determine the role of this variant in disease. Therefore, it has been classified as a Variant of Uncertain Significance.

NM_016032.4(ZDHHC9):c.266G>C (p.Ser89Thr)

Gene: ZDHHC9 (zDHHC palmitoyltransferase 9; minus strand). Cytogenetic location: Xq26.1.
Variant type: single nucleotide variant.
Coding change: c.266G>C on transcript NM_016032.4 (MANE Select); coding-DNA position 266, G replaced by C.
Protein change: p.Ser89Thr; replaces serine 89 with threonine.
Molecular consequence: missense variant.
Genome position (GRCh38, 1-based): chrX:129,829,043, C>G on the plus strand (G>C on the coding strand, the complement: ZDHHC9 is on the minus strand). VCF-style: chrX-129829043-C-G. GRCh37 (hg19) VCF-style: chrX-128963019-C-G.
Other names: c.266G>C, p.Ser89Thr (NM_001008222.3); c.266G>C (NM_016032.2); short protein forms S89T.
Identifiers: ClinVar variation 2125510 (VCV002125510.5), dbSNP rs2522218782, ClinGen allele CA414592637.